The following is an entry in ClinVar:

NM_001378030.1(CCDC78):c.886G>A (p.Ala296Thr)

Gene: CCDC78 (coiled-coil domain containing 78; minus strand). Cytogenetic location: 16p13.3.
Variant type: single nucleotide variant.
Coding change: c.886G>A on transcript NM_001378030.1 (MANE Select); coding-DNA position 886, G replaced by A.
Protein change: p.Ala296Thr; replaces alanine 296 with threonine.
Molecular consequence: missense variant. On other transcripts: non-coding transcript variant (5).
Genome position (GRCh38, 1-based): chr16:724,389, C>T on the plus strand (G>A on the coding strand, the complement: CCDC78 is on the minus strand). VCF-style: chr16-724389-C-T. GRCh37 (hg19) VCF-style: chr16-774389-C-T.
Other names: c.886G>A, p.Ala296Thr (NM_001031737.3, NM_001378031.1); c.319G>A, p.Ala107Thr (NM_001378033.1); short protein forms A296T, A107T.
Identifiers: ClinVar variation 1515385 (VCV001515385.8), dbSNP rs1395442564, ClinGen allele CA394100236.

ClinVar aggregate classification (germline): Uncertain significance (1 of 4 stars; one submission).

Conditions:
Congenital myopathy with internal nuclei and atypical cores. Also called: Myopathy, centronuclear, 4. Identifiers: Orphanet 319160, MedGen C4707232, MONDO:0013890, OMIM 614807.

Allele frequency attached by ClinVar (database versions not stated): gnomAD exomes below 0.00001 and 0.00001; gnomAD 0.00001.
gnomAD v4.1: 3 of 1,611,580 alleles (0.00019%); highest among the groups gnomAD compares: Admixed American, 0.005%; no homozygotes.

Submission:

Labcorp Genetics (formerly Invitae), Labcorp
Classification: Uncertain significance for Congenital myopathy with internal nuclei and atypical cores. Last evaluated: 2021-03-15. Review status: criteria provided, single submitter. Criteria: Invitae Variant Classification Sherloc (09022015). Collection method: clinical testing. Allele origin: germline.
Comment: This variant has not been reported in the literature in individuals with CCDC78-related conditions. This variant is not present in population databases (ExAC no frequency). This sequence change replaces alanine with threonine at codon 296 of the CCDC78 protein (p.Ala296Thr). The alanine residue is moderately conserved and there is a small physicochemical difference between alanine and threonine. Algorithms developed to predict the effect of missense changes on protein structure and function are either unavailable or do not agree on the potential impact of this missense change (SIFT: "Deleterious"; PolyPhen-2: "Probably Damaging"; Align-GVGD: "Class C0"). In summary, the available evidence is currently insufficient to determine the role of this variant in disease. Therefore, it has been classified as a Variant of Uncertain Significance.